The following is an entry in ClinVar:

ClinVar aggregate classification (germline): Likely benign. Review status: criteria provided, multiple submitters, no conflicts (2 of 4 stars). 3 submissions from 3 submitters: Likely benign (2). 1 of the submissions does not count toward it. Last evaluated 2026-09-15.

Conditions:
Leber congenital amaurosis 13 (LCA13). Identifiers: MedGen C2675186, MONDO:0012990, OMIM 612712.
RDH12-related disorder. Also called: RDH12-related disorders; RDH12-related condition.
Leber congenital amaurosis (LCA). Also called: Leber's amaurosis. Identifiers: Orphanet 65, MedGen C0339527, MeSH D057130, MONDO:0018998.

gnomAD v4.1: 4 of 1,602,066 alleles (0.00025%); highest among the groups gnomAD compares: East Asian, 0.0022%; no homozygotes.

Submissions (3):

PreventionGenetics, part of Exact Sciences
Classification: Likely benign for RDH12-related condition. Last evaluated: 2026-09-15. Review status: criteria provided, single submitter. Criteria: ACMG Guidelines, 2015. Collection method: clinical testing. Allele origin: germline.
Comment: This variant is classified as likely benign based on ACMG/AMP sequence variant interpretation guidelines (Richards et al. 2015 PMID: 25741868, with internal and published modifications).

Labcorp Genetics (formerly Invitae), Labcorp
Classification: Likely benign for Leber congenital amaurosis 13. Last evaluated: 2024-01-08. Review status: criteria provided, single submitter. Criteria: Invitae Variant Classification Sherloc (09022015). Collection method: clinical testing. Allele origin: germline.

Natera, Inc.
Classification: Uncertain significance for Leber congenital amaurosis. Last evaluated: 2020-09-16. Review status: no assertion criteria provided. Collection method: clinical testing. Allele origin: germline. Not counted in ClinVar's aggregate classification.

NM_152443.3(RDH12):c.771G>A (p.Thr257=)

Genes: GPHN (gephyrin; plus strand), RDH12 (retinol dehydrogenase 12; plus strand), ZFYVE26 (zinc finger FYVE-type containing 26; minus strand). Cytogenetic location: 14q24.1.
Variant type: single nucleotide variant.
Coding change: c.771G>A on transcript NM_152443.3 (MANE Select); coding-DNA position 771, G replaced by A.
Protein change: p.Thr257=; no amino-acid change (threonine 257 retained).
Molecular consequence: synonymous variant.
Genome position (GRCh38, 1-based): chr14:67,729,303, G>A. VCF-style: chr14-67729303-G-A. GRCh37 (hg19) VCF-style: chr14-68196020-G-A.
Identifiers: ClinVar variation 643855 (VCV000643855.10), dbSNP rs1035808739, ClinGen allele CA486772130.
Genomic context (GRCh38, chr14:67,729,303, plus strand): 5'-GGTCCGGCACTCCTCCCTGCTCTGCCTGCTCTGGCGGCTCTTCTCCCCCTTTGTCAAGAC[G>A]GCACGGGAGGGGGCGCAGACCAGCCTGCACTGCGCCCTGGCTGAGGGCCTGGAGCCCCTG-3'
Protein context (NP_689656.2, residues 247-267): LWRLFSPFVK[Thr257=]AREGAQTSLH